The following is an entry in ClinVar:

NM_152305.3(POGLUT1):c.1019A>G (p.Glu340Gly)

Gene: POGLUT1 (protein O-glucosyltransferase 1; plus strand). Cytogenetic location: 3q13.33.
Variant type: single nucleotide variant.
Coding change: c.1019A>G on transcript NM_152305.3 (MANE Select); coding-DNA position 1019, A replaced by G.
Protein change: p.Glu340Gly; replaces glutamic acid 340 with glycine.
Molecular consequence: missense variant. On other transcripts: non-coding transcript variant (1).
Genome position (GRCh38, 1-based): chr3:119,491,571, A>G. VCF-style: chr3-119491571-A-G. GRCh37 (hg19) VCF-style: chr3-119210418-A-G.
Other names: c.1019A>G, p.Glu340Gly (NM_020231.3); short protein forms E340G.
Identifiers: ClinVar variation 2989741 (VCV002989741.3), dbSNP rs2473051389, ClinGen allele CA354049055.

ClinVar aggregate classification (germline): Uncertain significance (1 of 4 stars; one submission).

Allele frequency attached by ClinVar (database versions not stated): gnomAD exomes below 0.00001.
gnomAD v4.1: 1 of 1,542,848 alleles (0.000065%); highest among the groups gnomAD compares: Non-Finnish European, 0.000089%; no homozygotes.

Submission:

Labcorp Genetics (formerly Invitae), Labcorp
Classification: Uncertain significance. Last evaluated: 2024-11-15. Review status: criteria provided, single submitter. Criteria: Invitae Variant Classification Sherloc (09022015). Collection method: clinical testing. Allele origin: germline.
Comment: This sequence change replaces glutamic acid, which is acidic and polar, with glycine, which is neutral and non-polar, at codon 340 of the POGLUT1 protein (p.Glu340Gly). This variant is not present in population databases (gnomAD no frequency). This variant has not been reported in the literature in individuals affected with POGLUT1-related conditions. ClinVar contains an entry for this variant (Variation ID: 2989741). Invitae Evidence Modeling of protein sequence and biophysical properties (such as structural, functional, and spatial information, amino acid conservation, physicochemical variation, residue mobility, and thermodynamic stability) indicates that this missense variant is not expected to disrupt POGLUT1 protein function with a negative predictive value of 80%. In summary, the available evidence is currently insufficient to determine the role of this variant in disease. Therefore, it has been classified as a Variant of Uncertain Significance.